The following is an entry in ClinVar:

ClinVar aggregate classification (germline): Uncertain significance. Review status: criteria provided, multiple submitters, no conflicts (2 of 4 stars). 2 submissions from 2 submitters: Uncertain significance (2). Last evaluated 2025-10-23.

Conditions:
Inborn genetic diseases. Identifiers: MedGen C0950123, MeSH D030342.
3-methylcrotonyl-CoA carboxylase 1 deficiency (MCC1D). Also called: MCCD TYPE 1; METHYLCROTONYLGLYCINURIA TYPE I; MCC 1 deficiency; 3 Alpha methylcrotonylglycinuria 1. Identifiers: Orphanet 6, MedGen CN028786, MONDO:0008861, OMIM 210200.

Allele frequency attached by ClinVar (database versions not stated): gnomAD 0.00002; ESP Exome Variant Server 0.00008.
gnomAD v4.1: 53 of 1,613,960 alleles (0.0033%); highest among the groups gnomAD compares: Non-Finnish European, 0.0044%; no homozygotes.

Submissions (2):

Ambry Genetics
Classification: Uncertain significance for Inborn genetic diseases. Last evaluated: 2025-10-23. Review status: criteria provided, single submitter. Criteria: Ambry Variant Classification Scheme 2023. Collection method: clinical testing. Allele origin: germline.

Labcorp Genetics (formerly Invitae), Labcorp
Classification: Uncertain significance for 3-methylcrotonyl-CoA carboxylase 1 deficiency. Last evaluated: 2023-12-11. Review status: criteria provided, single submitter. Criteria: Invitae Variant Classification Sherloc (09022015). Collection method: clinical testing. Allele origin: germline.
Comment: This sequence change replaces arginine, which is basic and polar, with leucine, which is neutral and non-polar, at codon 409 of the MCCC1 protein (p.Arg409Leu). This variant is present in population databases (rs371219844, gnomAD 0.002%). This variant has not been reported in the literature in individuals affected with MCCC1-related conditions. ClinVar contains an entry for this variant (Variation ID: 1462162). Advanced modeling of protein sequence and biophysical properties (such as structural, functional, and spatial information, amino acid conservation, physicochemical variation, residue mobility, and thermodynamic stability) performed at Invitae indicates that this missense variant is not expected to disrupt MCCC1 protein function with a negative predictive value of 95%. In summary, the available evidence is currently insufficient to determine the role of this variant in disease. Therefore, it has been classified as a Variant of Uncertain Significance.

NM_020166.5(MCCC1):c.1226G>T (p.Arg409Leu)

Gene: MCCC1 (methylcrotonyl-CoA carboxylase subunit 1; minus strand). Cytogenetic location: 3q27.1.
Variant type: single nucleotide variant.
Coding change: c.1226G>T on transcript NM_020166.5 (MANE Select); coding-DNA position 1226, G replaced by T.
Protein change: p.Arg409Leu; replaces arginine 409 with leucine.
Molecular consequence: missense variant. On other transcripts: non-coding transcript variant (2).
Genome position (GRCh38, 1-based): chr3:183,041,608, C>A on the plus strand (G>T on the coding strand, the complement: MCCC1 is on the minus strand). VCF-style: chr3-183041608-C-A. GRCh37 (hg19) VCF-style: chr3-182759396-C-A.
Other names: c.875G>T, p.Arg292Leu (NM_001293273.2); c.899G>T, p.Arg300Leu (NM_001363880.1); c.1226G>T (NM_020166.3); short protein forms R292L, R300L, R409L.
Identifiers: ClinVar variation 1462162 (VCV001462162.6), dbSNP rs371219844, ClinGen allele CA88703227.
Genomic context (GRCh38, chr3:183,041,608, plus strand): 5'-TCATTTTCTTTCACTTTACCTTGCCGTACTCCAGTTTCAATCCTGGTGGAAGGGTCTGCT[C>A]GAGGAGTAGAGAGGTGCACTAATGGGCCTGCCACAGGCATGAAGTTATTGCTAGGATCTT-3'
Protein context (NP_064551.3, residues 399-419): AGPLVHLSTP[Arg409Leu]ADPSTRIETG